The following is an entry in ClinVar:

ClinVar aggregate classification (germline): Benign (1 of 4 stars; one submission).

Allele frequency attached by ClinVar (database versions not stated): gnomAD 0.04243 and 0.04581; TOPMed 0.04681; 1000 Genomes Project 0.04832; 1000 Genomes Project 30x 0.05387.
gnomAD v4.1: 6,395 of 152,260 alleles (4.2%); highest among the groups gnomAD compares: African/African-American, 15%; 453 homozygotes.

Submission:

GeneDx
Classification: Benign. Last evaluated: 2018-06-16. Review status: criteria provided, single submitter. Criteria: GeneDx Variant Classification (06012015). Collection method: clinical testing. Allele origin: germline. Affected: yes.
Comment: This variant is considered likely benign or benign based on one or more of the following criteria: it is a conservative change, it occurs at a poorly conserved position in the protein, it is predicted to be benign by multiple in silico algorithms, and/or has population frequency not consistent with disease.

NM_025243.4(SLC19A3):c.980-235G>A

Gene: SLC19A3 (solute carrier family 19 member 3; minus strand). Cytogenetic location: 2q36.3.
Variant type: single nucleotide variant.
Coding change: c.980-235G>A on transcript NM_025243.4 (MANE Select); 235 bases into the intron before coding-DNA position 980, G replaced by A.
Molecular consequence: intron variant.
Genome position (GRCh38, 1-based): chr2:227,696,316, C>T on the plus strand (G>A on the coding strand, the complement: SLC19A3 is on the minus strand). VCF-style: chr2-227696316-C-T. GRCh37 (hg19) VCF-style: chr2-228561032-C-T.
Identifiers: ClinVar variation 673772 (VCV000673772.1), dbSNP rs78560438, ClinGen allele CA11240537.